The following is an entry in ClinVar:

NM_001457.4(FLNB):c.3150C>T (p.Leu1050=)

Gene: FLNB (filamin B; plus strand). Cytogenetic location: 3p14.3.
Variant type: single nucleotide variant.
Coding change: c.3150C>T on transcript NM_001457.4 (MANE Select); coding-DNA position 3150, C replaced by T.
Protein change: p.Leu1050=; no amino-acid change (leucine 1050 retained).
Molecular consequence: synonymous variant.
Genome position (GRCh38, 1-based): chr3:58,123,116, C>T. VCF-style: chr3-58123116-C-T. GRCh37 (hg19) VCF-style: chr3-58108843-C-T.
Other names: c.3150C>T, p.Leu1050= (NM_001164317.2, NM_001164318.2, NM_001164319.2).
Identifiers: ClinVar variation 1929905 (VCV001929905.6), dbSNP rs763929264, ClinGen allele CA2468344.
Genomic context (GRCh38, chr3:58,123,116, plus strand): 5'-TCCCAGTGCAGTTTGACTTTATTCTTTGCTCAAATAGGTGAAGGCCCACGGTCCCGGCCT[C>T]GAAGGTGGTCTCGTGGGCAAGCCTGCCGAGTTCACCATCGATACCAAAGGAGCTGGTACT-3'
Protein context (NP_001448.2, residues 1040-1060): PSKVKAHGPG[Leu1050=]EGGLVGKPAE

ClinVar aggregate classification (germline): Likely benign. Review status: criteria provided, multiple submitters, no conflicts (2 of 4 stars). 2 submissions from 2 submitters: Likely benign (2). Last evaluated 2026-08-01.

Allele frequency attached by ClinVar (database versions not stated): ExAC 0.00001; gnomAD 0.00001; gnomAD exomes 0.00001; TOPMed 0.00001.
gnomAD v4.1: 11 of 1,614,030 alleles (0.00068%); highest among the groups gnomAD compares: Admixed American, 0.005%; no homozygotes.

Submissions (2):

CeGaT Center for Human Genetics Tuebingen
Classification: Likely benign. Last evaluated: 2026-08-01. Review status: criteria provided, single submitter. Criteria: CeGaT Center For Human Genetics Tuebingen Variant Classification Criteria Version 2. Collection method: clinical testing. Allele origin: germline. Affected: yes. Observed: 1 variant allele.
Comment: FLNB: BP4, BP7

Labcorp Genetics (formerly Invitae), Labcorp
Classification: Likely benign. Last evaluated: 2024-07-06. Review status: criteria provided, single submitter. Criteria: Invitae Variant Classification Sherloc (09022015). Collection method: clinical testing. Allele origin: germline.